The following is an entry in ClinVar:

ClinVar aggregate classification (germline): Uncertain significance (1 of 4 stars; one submission).

Conditions:
Inborn genetic diseases. Identifiers: MedGen C0950123, MeSH D030342.

gnomAD v4.1: 3 of 1,612,390 alleles (0.00019%); highest among the groups gnomAD compares: East Asian, 0.0067%; no homozygotes.

Submission:

Ambry Genetics
Classification: Uncertain significance for Inborn genetic diseases. Last evaluated: 2017-01-24. Review status: criteria provided, single submitter. Criteria: Ambry Variant Classification Scheme 2023. Collection method: clinical testing. Allele origin: germline.
Comment: The p.P1471R variant (also known as c.4412C>G), located in coding exon 1 of the RAI1 gene, results from a C to G substitution at nucleotide position 4412. The proline at codon 1471 is replaced by arginine, an amino acid with dissimilar properties. This amino acid position is not well conserved in available vertebrate species. In addition, this alteration is predicted to be tolerated by in silico analysis. Since supporting evidence is limited at this time, the clinical significance of this variant remains unclear.

NM_030665.4(RAI1):c.4412C>G (p.Pro1471Arg)

Gene: RAI1 (retinoic acid induced 1; plus strand). Cytogenetic location: 17p11.2.
Variant type: single nucleotide variant.
Coding change: c.4412C>G on transcript NM_030665.4 (MANE Select); coding-DNA position 4412, C replaced by G.
Protein change: p.Pro1471Arg; replaces proline 1471 with arginine.
Molecular consequence: missense variant.
Genome position (GRCh38, 1-based): chr17:17,797,360, C>G. VCF-style: chr17-17797360-C-G. GRCh37 (hg19) VCF-style: chr17-17700674-C-G.
Other names: short protein forms P1471R.
Identifiers: ClinVar variation 589733 (VCV000589733.5), dbSNP rs530301043, ClinGen allele CA8418957.